The following is an entry in ClinVar:

NM_181458.4(PAX3):c.242G>A (p.Gly81Asp)

Gene: PAX3 (paired box 3; minus strand). Cytogenetic location: 2q36.1.
Variant type: single nucleotide variant.
Coding change: c.242G>A on transcript NM_181458.4 (MANE Select); coding-DNA position 242, G replaced by A.
Protein change: p.Gly81Asp; replaces glycine 81 with aspartic acid.
Molecular consequence: missense variant.
Genome position (GRCh38, 1-based): chr2:222,297,057, C>T on the plus strand (G>A on the coding strand, the complement: PAX3 is on the minus strand). VCF-style: chr2-222297057-C-T. GRCh37 (hg19) VCF-style: chr2-223161776-C-T.
Other names: c.242G>A, p.Gly81Asp (NM_000438.6, NM_001127366.3, NM_013942.5 and 4 more transcripts); short protein forms G81D.
Identifiers: ClinVar variation 963227 (VCV000963227.11), dbSNP rs587776586, ClinGen allele CA351113515.

ClinVar aggregate classification (germline): Likely pathogenic. Review status: criteria provided, multiple submitters, no conflicts (2 of 4 stars). 2 submissions from 2 submitters: Likely pathogenic (2). Last evaluated 2026-07-09.

Conditions:
Monogenic hearing loss.

Submissions (2):

Genetics Laboratory, Great Ormond Street Hospital NHS Foundation Trust, North Thames Genomic Laboratory Hub
Classification: Likely pathogenic for Monogenic hearing loss. Last evaluated: 2026-07-09. Review status: criteria provided, single submitter. Criteria: ACGS Best Practice Guidelines for Variant Classification in Rare Disease 2024 v1.2. Collection method: clinical testing. Allele origin: germline. Affected: yes.
Comment: PS4_supporting, PM2_moderate, PP3_supporting, PM5_moderate, PP4_supporting

Labcorp Genetics (formerly Invitae), Labcorp
Classification: Likely pathogenic. Last evaluated: 2023-01-20. Review status: criteria provided, single submitter. Criteria: Invitae Variant Classification Sherloc (09022015). Collection method: clinical testing. Allele origin: germline.
Comment: In summary, the currently available evidence indicates that the variant is pathogenic, but additional data are needed to prove that conclusively. Therefore, this variant has been classified as Likely Pathogenic. This variant disrupts the p.Gly81 amino acid residue in PAX3. Other variant(s) that disrupt this residue have been observed in individuals with PAX3-related conditions (PMID: 8490648, 20127975, 25991456), which suggests that this may be a clinically significant amino acid residue. Advanced modeling of protein sequence and biophysical properties (such as structural, functional, and spatial information, amino acid conservation, physicochemical variation, residue mobility, and thermodynamic stability) performed at Invitae indicates that this missense variant is expected to disrupt PAX3 protein function. ClinVar contains an entry for this variant (Variation ID: 963227). This missense change has been observed in individual(s) with Waardenburg syndrome (Invitae). This variant is not present in population databases (gnomAD no frequency). This sequence change replaces glycine, which is neutral and non-polar, with aspartic acid, which is acidic and polar, at codon 81 of the PAX3 protein (p.Gly81Asp).

Literature cited by the submitters: PubMed 8490648 (cited by Labcorp Genetics (formerly Invitae), Labcorp); PubMed 20127975 (cited by Labcorp Genetics (formerly Invitae), Labcorp); PubMed 25991456 (cited by Labcorp Genetics (formerly Invitae), Labcorp).